The following is an entry in ClinVar:

NM_000218.3(KCNQ1):c.1514+6606T>G

Genes: KCNQ1 (potassium voltage-gated channel subfamily Q member 1; plus strand), KCNQ1OT1 (KCNQ1 opposite strand/antisense transcript 1; minus strand). Cytogenetic location: 11p15.5.
Variant type: single nucleotide variant.
Coding change: c.1514+6606T>G on transcript NM_000218.3 (MANE Select); 6606 bases into the intron after coding-DNA position 1514, T replaced by G.
Molecular consequence: intron variant.
Genome position (GRCh38, 1-based): chr11:2,668,687, T>G. VCF-style: chr11-2668687-T-G. GRCh37 (hg19) VCF-style: chr11-2689917-T-G.
Other names: c.1244+6606T>G (NM_001406837.1); c.1418+6606T>G (NM_001406836.1); c.974+6606T>G (NM_001406838.1); c.1133+6606T>G (NM_181798.2).
Identifiers: ClinVar variation 1711305 (VCV001711305.30), dbSNP rs552318142, ClinGen allele CA216176610.

ClinVar aggregate classification (germline): Benign (1 of 4 stars; one submission).

Allele frequency attached by ClinVar (database versions not stated): 1000 Genomes Project 0.00020; 1000 Genomes Project 30x 0.00047; TOPMed 0.00048.
gnomAD v4.1: 265 of 398,522 alleles (0.066%); highest among the groups gnomAD compares: South Asian, 0.42%; 1 homozygote.

Submission:

CeGaT Center for Human Genetics Tuebingen
Classification: Benign. Last evaluated: 2026-03-01. Review status: criteria provided, single submitter. Criteria: CeGaT Center For Human Genetics Tuebingen Variant Classification Criteria Version 2. Collection method: clinical testing. Allele origin: germline. Affected: yes. Observed: 22 variant alleles.
Comment: KCNQ1OT1: BS1, BS2